The following is an entry in ClinVar:

ClinVar aggregate classification (germline): Likely benign. Review status: criteria provided, multiple submitters, no conflicts (2 of 4 stars). 6 submissions from 6 submitters: Likely benign (3). 3 of the submissions do not count toward it. Last evaluated 2026-01-28.

Conditions:
PKHD1-related disorder. Also called: PKHD1-related condition.
Polycystic kidney disease 4 (PKD4). Also called: Autosomal Recessive Polycystic Kidney Disease – PKHD1; PKD3; POLYCYSTIC KIDNEY AND HEPATIC DISEASE 1; POLYCYSTIC KIDNEY DISEASE, INFANTILE, TYPE I; POLYCYSTIC KIDNEY DISEASE 4 WITH OR WITHOUT POLYCYSTIC LIVER DISEASE. Identifiers: MedGen C4540575, MONDO:0033004, OMIM 263200.
Autosomal recessive polycystic kidney disease (ARPKD). Also called: AR polycystic kidney disease. Identifiers: Orphanet 731, Orphanet 8378, MedGen C0085548, MeSH D017044, MONDO:0009889.

Allele frequency attached by ClinVar (database versions not stated): TOPMed 0.00001; gnomAD exomes 0.00002 and 0.00008; ExAC 0.00003; gnomAD 0.00005.
gnomAD v4.1: 118 of 1,613,652 alleles (0.0073%); highest among the groups gnomAD compares: Middle Eastern, 0.016%; no homozygotes.

Submissions (6):

PreventionGenetics, part of Exact Sciences
Classification: Likely benign for PKHD1-related condition. Last evaluated: 2026-01-28. Review status: criteria provided, single submitter. Criteria: ACMG Guidelines, 2015. Collection method: clinical testing. Allele origin: germline.
Comment: This variant is classified as likely benign based on ACMG/AMP sequence variant interpretation guidelines (Richards et al. 2015 PMID: 25741868, with internal and published modifications).

Labcorp Genetics (formerly Invitae), Labcorp
Classification: Likely benign for Autosomal recessive polycystic kidney disease. Last evaluated: 2025-11-24. Review status: criteria provided, single submitter. Criteria: Invitae Variant Classification Sherloc (09022015). Collection method: clinical testing. Allele origin: germline.

Fulgent Genetics
Classification: Likely benign for Polycystic kidney disease 4. Last evaluated: 2022-01-18. Review status: criteria provided, single submitter. Criteria: ACMG Guidelines, 2015. Collection method: clinical testing. Allele origin: unknown.

Natera, Inc.
Classification: Likely benign for Autosomal recessive polycystic kidney disease. Last evaluated: 2021-08-26. Review status: no assertion criteria provided. Collection method: clinical testing. Allele origin: germline. Not counted in ClinVar's aggregate classification.

Clinical Genetics DNA and cytogenetics Diagnostics Lab, Erasmus MC, Erasmus Medical Center
Classification: Likely benign. Review status: no assertion criteria provided. Collection method: clinical testing. Allele origin: germline. Affected: yes. Study: VKGL Data-share Consensus. Not counted in ClinVar's aggregate classification.

Laboratory of Diagnostic Genome Analysis, Leiden University Medical Center (LUMC)
Classification: Likely benign. Review status: no assertion criteria provided. Collection method: clinical testing. Allele origin: germline. Affected: yes. Study: VKGL Data-share Consensus. Not counted in ClinVar's aggregate classification.

NM_138694.4(PKHD1):c.3183C>T (p.Val1061=)

Gene: PKHD1 (PKHD1 ciliary IPT domain containing fibrocystin/polyductin; minus strand). Cytogenetic location: 6p12.2.
Variant type: single nucleotide variant.
Coding change: c.3183C>T on transcript NM_138694.4 (MANE Select); coding-DNA position 3183, C replaced by T.
Protein change: p.Val1061=; no amino-acid change (valine 1061 retained).
Molecular consequence: synonymous variant.
Genome position (GRCh38, 1-based): chr6:52,035,636, G>A on the plus strand (C>T on the coding strand, the complement: PKHD1 is on the minus strand). VCF-style: chr6-52035636-G-A. GRCh37 (hg19) VCF-style: chr6-51900434-G-A.
Other names: c.3183C>T, p.Val1061= (NM_170724.3); c.3183C>T (NM_138694.3).
Identifiers: ClinVar variation 1103275 (VCV001103275.18), dbSNP rs759939735, ClinGen allele CA3853015.